The following is an entry in ClinVar:

NM_020975.6(RET):c.3146C>T (p.Pro1049Leu)

Gene: RET (ret proto-oncogene; plus strand). Cytogenetic location: 10q11.21.
Variant type: single nucleotide variant.
Coding change: c.3146C>T on transcript NM_020975.6 (MANE Select); coding-DNA position 3146, C replaced by T.
Protein change: p.Pro1049Leu; replaces proline 1049 with leucine.
Molecular consequence: missense variant.
Genome position (GRCh38, 1-based): chr10:43,126,681, C>T. VCF-style: chr10-43126681-C-T. GRCh37 (hg19) VCF-style: chr10-43622129-C-T.
Other names: c.3146C>T, p.Pro1049Leu (NM_000323.2, NM_001406743.1, NM_001406744.1 and 2 more transcripts); c.2384C>T, p.Pro795Leu (NM_001355216.2); c.3017C>T, p.Pro1006Leu (NM_001406761.1, NM_001406762.1, NM_001406764.1); c.3011C>T, p.Pro1004Leu (NM_001406763.1, NM_001406765.1); c.2858C>T, p.Pro953Leu (NM_001406766.1, NM_001406767.1, NM_001406770.1); c.2882C>T, p.Pro961Leu (NM_001406768.1); c.2750C>T, p.Pro917Leu (NM_001406769.1, NM_001406772.1); c.2708C>T, p.Pro903Leu (NM_001406771.1, NM_001406773.1); and 10 more; short protein forms P1049L, P795L, P614L, P707L, P961L, P705L, P719L, P903L.
Identifiers: ClinVar variation 1407243 (VCV001407243.7), dbSNP rs1490712863, ClinGen allele CA376558487.

ClinVar aggregate classification (germline): Uncertain significance (1 of 4 stars; one submission).

Conditions:
Multiple endocrine neoplasia, type 2 (MEN2). Identifiers: Orphanet 653, MedGen C4048306, MONDO:0019003. Disease mechanism: gain of function.

Allele frequency attached by ClinVar (database versions not stated): gnomAD exomes below 0.00001.

Submission:

Labcorp Genetics (formerly Invitae), Labcorp
Classification: Uncertain significance for Multiple endocrine neoplasia, type 2. Last evaluated: 2022-05-27. Review status: criteria provided, single submitter. Criteria: Invitae Variant Classification Sherloc (09022015). Collection method: clinical testing. Allele origin: germline.
Comment: This sequence change replaces proline, which is neutral and non-polar, with leucine, which is neutral and non-polar, at codon 1049 of the RET protein (p.Pro1049Leu). This variant is present in population databases (no rsID available, gnomAD 0.007%). This missense change has been observed in individual(s) with renal agenesis (PMID: 18252215). Algorithms developed to predict the effect of missense changes on protein structure and function (SIFT, PolyPhen-2, Align-GVGD) all suggest that this variant is likely to be tolerated. Algorithms developed to predict the effect of sequence changes on RNA splicing suggest that this variant may create or strengthen a splice site. In summary, the available evidence is currently insufficient to determine the role of this variant in disease. Therefore, it has been classified as a Variant of Uncertain Significance.

Literature cited by the submitters: PubMed 18252215.